The following is an entry in ClinVar:

NM_023036.6(DNAI2):c.1062A>G (p.Glu354=)

Gene: DNAI2 (dynein axonemal intermediate chain 2; plus strand). Cytogenetic location: 17q25.1.
Variant type: single nucleotide variant.
Coding change: c.1062A>G on transcript NM_023036.6 (MANE Select); coding-DNA position 1062, A replaced by G.
Protein change: p.Glu354=; no amino-acid change (glutamic acid 354 retained).
Molecular consequence: synonymous variant. On other transcripts: non-coding transcript variant (1).
Genome position (GRCh38, 1-based): chr17:74,305,293, A>G. VCF-style: chr17-74305293-A-G. GRCh37 (hg19) VCF-style: chr17-72301432-A-G.
Other names: p.Glu354=; c.1062A>G, p.Glu354= (NM_001172810.3, NM_001353167.2).
Identifiers: ClinVar variation 163168 (VCV000163168.32), dbSNP rs8073660, ClinGen allele CA175826.

ClinVar aggregate classification (germline): Benign/Likely benign. Review status: criteria provided, multiple submitters, no conflicts (2 of 4 stars). 13 submissions from 13 submitters: Benign (9); Likely benign (1). 3 of the submissions do not count toward it. Last evaluated 2026-02-04.

Conditions:
Primary ciliary dyskinesia. Also called: Ciliary dyskinesia. Identifiers: Orphanet 244, MedGen C0008780, MONDO:0016575, HP:0012265.
Primary ciliary dyskinesia 9. Also called: CILIARY DYSKINESIA, PRIMARY, 9, WITH OR WITHOUT SITUS INVERSUS. Identifiers: Orphanet 244, MedGen C2676235, MONDO:0012906, OMIM 612444.

Allele frequency attached by ClinVar (database versions not stated): 1000 Genomes Project 30x 0.39366; 1000 Genomes Project 0.39876; TOPMed 0.48314; gnomAD 0.50417 and 0.50668; ExAC 0.52328; ESP Exome Variant Server 0.53452; gnomAD exomes 0.59516.
gnomAD v4.1: 943,747 of 1,613,914 alleles (58%); highest among the groups gnomAD compares: Non-Finnish European, 63%; 284,557 homozygotes.

Submissions (13):

Labcorp Genetics (formerly Invitae), Labcorp
Classification: Benign for Primary ciliary dyskinesia. Last evaluated: 2026-02-04. Review status: criteria provided, single submitter. Criteria: Invitae Variant Classification Sherloc (09022015). Collection method: clinical testing. Allele origin: germline.

Blueprint Genetics
Classification: Likely benign. Last evaluated: 2024-11-28. Review status: criteria provided, single submitter. Criteria: ACMG Guidelines, 2015. Collection method: clinical testing. Allele origin: germline.

Mayo Clinic Laboratories, Mayo Clinic
Classification: Benign. Last evaluated: 2022-04-26. Review status: criteria provided, single submitter. Criteria: ACMG Guidelines, 2015. Collection method: clinical testing. Allele origin: germline. Observed: 168 variant alleles.

Genome-Nilou Lab
Classification: Benign for Primary ciliary dyskinesia 9. Last evaluated: 2021-07-10. Review status: criteria provided, single submitter. Criteria: ACMG Guidelines, 2015. Collection method: clinical testing. Allele origin: germline. Affected: no.

GeneDx
Classification: Benign. Last evaluated: 2018-11-11. Review status: criteria provided, single submitter. Criteria: GeneDx Variant Classification Process June 2021. Collection method: clinical testing. Allele origin: germline. Affected: yes.

Illumina Laboratory Services, Illumina
Classification: Benign for Primary ciliary dyskinesia 9. Last evaluated: 2018-01-12. Review status: criteria provided, single submitter. Criteria: ICSL Variant Classification Criteria 13 December 2019. Collection method: clinical testing. Allele origin: germline.
Comment: This variant was observed in the ICSL laboratory as part of a predisposition screen in an ostensibly healthy population. It had not been previously curated by ICSL or reported in the Human Gene Mutation Database (HGMD: prior to June 1st, 2018), and was therefore a candidate for classification through an automated scoring system. Utilizing variant allele frequency, disease prevalence and penetrance estimates, and inheritance mode, an automated score was calculated to assess if this variant is too frequent to cause the disease. Based on the score and internal cut-off values, a variant classified as benign is not then subjected to further curation. The score for this variant resulted in a classification of benign for this disease.

Ambry Genetics
Classification: Benign for Primary ciliary dyskinesia. Last evaluated: 2014-12-11. Review status: criteria provided, single submitter. Criteria: Ambry Variant Classification Scheme 2023. Collection method: clinical testing. Allele origin: germline.

Laboratory for Molecular Medicine, Mass General Brigham Personalized Medicine
Classification: Benign. Last evaluated: 2013-02-21. Review status: criteria provided, single submitter. Criteria: LMM Criteria. Collection method: clinical testing. Allele origin: germline. Observed: 89 variant alleles.
Comment: Glu354Glu in exon 9 of DNAI2: This variant is not expected to have clinical sign ificance because it does not alter an amino acid residue and is not located with in the splice consensus sequence. It has been identified in 37.8% (3255/8600) of European American chromosomes from a broad population by the NHLBI Exome Sequen cing Project (dbSNP rs8073660).

Breakthrough Genomics
Classification: Benign. Review status: criteria provided, single submitter. Criteria: ACMG Guidelines, 2015. Collection method: not provided. Allele origin: germline. Inheritance: Autosomal recessive inheritance. Affected: yes.

PreventionGenetics, part of Exact Sciences
Classification: Benign. Review status: criteria provided, single submitter. Criteria: ACMG Guidelines, 2015. Collection method: clinical testing. Allele origin: germline.

Natera, Inc.
Classification: Benign for Primary ciliary dyskinesia. Last evaluated: 2020-09-16. Review status: no assertion criteria provided. Collection method: clinical testing. Allele origin: germline. Not counted in ClinVar's aggregate classification.

Clinical Genetics DNA and cytogenetics Diagnostics Lab, Erasmus MC, Erasmus Medical Center
Classification: Benign. Review status: no assertion criteria provided. Collection method: clinical testing. Allele origin: germline. Affected: yes. Study: VKGL Data-share Consensus. Not counted in ClinVar's aggregate classification.

Diagnostic Laboratory, Department of Genetics, University Medical Center Groningen
Classification: Benign for Primary ciliary dyskinesia 9. Review status: no assertion criteria provided. Collection method: clinical testing. Allele origin: germline. Affected: yes. Study: VKGL Data-share Consensus. Not counted in ClinVar's aggregate classification.